The following is an entry in ClinVar:

ClinVar aggregate classification (germline): Uncertain significance (1 of 4 stars; one submission).

gnomAD v4.1: 2 of 1,528,802 alleles (0.00013%); highest among the groups gnomAD compares: Non-Finnish European, 0.000088%; no homozygotes.

Submission:

Labcorp Genetics (formerly Invitae), Labcorp
Classification: Uncertain significance. Last evaluated: 2022-12-03. Review status: criteria provided, single submitter. Criteria: Invitae Variant Classification Sherloc (09022015). Collection method: clinical testing. Allele origin: germline.
Comment: In summary, the available evidence is currently insufficient to determine the role of this variant in disease. Therefore, it has been classified as a Variant of Uncertain Significance. Algorithms developed to predict the effect of missense changes on protein structure and function are either unavailable or do not agree on the potential impact of this missense change (SIFT: "Tolerated"; PolyPhen-2: "Possibly Damaging"; Align-GVGD: "Class C0"). This variant has not been reported in the literature in individuals affected with ADGRB2-related conditions. This variant is not present in population databases (gnomAD no frequency). This sequence change replaces serine, which is neutral and polar, with phenylalanine, which is neutral and non-polar, at codon 372 of the ADGRB2 protein (p.Ser372Phe).

NM_001364857.2(ADGRB2):c.1115C>T (p.Ser372Phe)

Gene: ADGRB2 (adhesion G protein-coupled receptor B2; minus strand). Cytogenetic location: 1p35.2.
Variant type: single nucleotide variant.
Coding change: c.1115C>T on transcript NM_001364857.2 (MANE Select); coding-DNA position 1115, C replaced by T.
Protein change: p.Ser372Phe; replaces serine 372 with phenylalanine.
Molecular consequence: missense variant.
Genome position (GRCh38, 1-based): chr1:31,742,975, G>A on the plus strand (C>T on the coding strand, the complement: ADGRB2 is on the minus strand). VCF-style: chr1-31742975-G-A. GRCh37 (hg19) VCF-style: chr1-32208576-G-A.
Other names: c.1115C>T, p.Ser372Phe (NM_001294335.2, NM_001294336.2, NM_001703.2); short protein forms S372F.
Identifiers: ClinVar variation 2786067 (VCV002786067.3), dbSNP rs1189287708, ClinGen allele CA339614756.